The following is an entry in ClinVar:

ClinVar aggregate classification (germline): Benign/Likely benign. Review status: criteria provided, multiple submitters, no conflicts (2 of 4 stars). 4 submissions from 4 submitters: Benign (1); Likely benign (3). Last evaluated 2025-01-30.

Conditions:
Hereditary nonpolyposis colorectal neoplasms. Identifiers: MedGen C0009405, MeSH D003123.
Lynch syndrome 4 (LYNCH4). Also called: Hereditary non-polyposis colorectal cancer, type 4; Colorectal cancer, hereditary nonpolyposis, type 4. Identifiers: Orphanet 144, MedGen C1838333, MONDO:0013699, OMIM 614337. Disease mechanism: loss of function.
Hereditary cancer-predisposing syndrome. Also called: Tumor predisposition; Hereditary neoplastic syndrome; Neoplastic Syndromes, Hereditary; Hereditary Cancer Syndrome. Identifiers: Orphanet 140162, MedGen C0027672, MeSH D009386, MONDO:0015356.

Allele frequency attached by ClinVar (database versions not stated): gnomAD exomes 0.00001; ExAC 0.00002; gnomAD 0.00002; 1000 Genomes Project 30x 0.00047; 1000 Genomes Project 0.00060.
gnomAD v4.1: 3 of 1,614,128 alleles (0.00019%); highest among the groups gnomAD compares: Non-Finnish European, 0.00025%; no homozygotes.

Submissions (4):

Myriad Genetics, Inc.
Classification: Benign for Lynch syndrome 4. Last evaluated: 2025-01-30. Review status: criteria provided, single submitter. Criteria: Myriad Autosomal Dominant, Autosomal Recessive and X-Linked Classification Criteria (2023). Collection method: clinical testing. Allele origin: unknown.
Comment: This variant is considered benign. This variant is a silent/synonymous amino acid change and it is not expected to impact splicing.

Labcorp Genetics (formerly Invitae), Labcorp
Classification: Likely benign for Hereditary nonpolyposis colorectal neoplasms. Last evaluated: 2024-11-18. Review status: criteria provided, single submitter. Criteria: Invitae Variant Classification Sherloc (09022015). Collection method: clinical testing. Allele origin: germline.

Color Diagnostics, LLC DBA Color Health
Classification: Likely benign for Hereditary cancer-predisposing syndrome. Last evaluated: 2021-09-07. Review status: criteria provided, single submitter. Criteria: ACMG Guidelines, 2015. Collection method: clinical testing. Allele origin: germline.

Ambry Genetics
Classification: Likely benign for Hereditary cancer-predisposing syndrome. Last evaluated: 2019-05-06. Review status: criteria provided, single submitter. Criteria: Ambry Variant Classification Scheme 2023. Collection method: clinical testing. Allele origin: germline.

NM_000535.7(PMS2):c.1281T>A (p.Arg427=)

Gene: PMS2 (PMS1 homolog 2, mismatch repair system component; minus strand). Cytogenetic location: 7p22.1.
Variant type: single nucleotide variant.
Coding change: c.1281T>A on transcript NM_000535.7 (MANE Select); coding-DNA position 1281, T replaced by A.
Protein change: p.Arg427=; no amino-acid change (arginine 427 retained).
Molecular consequence: synonymous variant. On other transcripts: non-coding transcript variant (1).
Genome position (GRCh38, 1-based): chr7:5,987,484, A>T on the plus strand (T>A on the coding strand, the complement: PMS2 is on the minus strand). VCF-style: chr7-5987484-A-T. GRCh37 (hg19) VCF-style: chr7-6027115-A-T.
Other names: c.876T>A, p.Arg292= (NM_001322003.2, NM_001322004.2, NM_001322005.2 and 1 more transcripts); c.1125T>A, p.Arg375= (NM_001322006.2); c.963T>A, p.Arg321= (NM_001322007.2, NM_001322008.2); c.720T>A, p.Arg240= (NM_001322010.2); c.348T>A, p.Arg116= (NM_001322011.2, NM_001322012.2); c.708T>A, p.Arg236= (NM_001322013.2); c.1281T>A, p.Arg427= (NM_001322014.2); c.972T>A, p.Arg324= (NM_001322015.2).
Identifiers: ClinVar variation 818786 (VCV000818786.14), dbSNP rs570853668, ClinGen allele CA042942.